The following is an entry in ClinVar:

ClinVar aggregate classification (germline): Uncertain significance (1 of 4 stars; one submission).

Conditions:
Neurofibromatosis, type 1 (NF1). Also called: VON RECKLINGHAUSEN DISEASE; Peripheral type neurofibromatosis; Neurofibromatosis, type I; NEUROFIBROMATOSIS, TYPE I, SOMATIC. Identifiers: Orphanet 636, MedGen C0027831, MONDO:0018975, OMIM 162200. Disease mechanism: loss of function.

Submission:

Labcorp Genetics (formerly Invitae), Labcorp
Classification: Uncertain significance for Neurofibromatosis, type 1. Last evaluated: 2022-11-23. Review status: criteria provided, single submitter. Criteria: Invitae Variant Classification Sherloc (09022015). Collection method: clinical testing. Allele origin: germline.
Comment: This sequence change replaces glutamic acid, which is acidic and polar, with aspartic acid, which is acidic and polar, at codon 740 of the NF1 protein (p.Glu740Asp). This variant is not present in population databases (gnomAD no frequency). This variant has not been reported in the literature in individuals affected with NF1-related conditions. Advanced modeling of protein sequence and biophysical properties (such as structural, functional, and spatial information, amino acid conservation, physicochemical variation, residue mobility, and thermodynamic stability) performed at Invitae indicates that this missense variant is not expected to disrupt NF1 protein function. In summary, the available evidence is currently insufficient to determine the role of this variant in disease. Therefore, it has been classified as a Variant of Uncertain Significance.

NM_001042492.3(NF1):c.2220G>C (p.Glu740Asp)

Gene: NF1 (neurofibromin 1; plus strand). Cytogenetic location: 17q11.2.
Variant type: single nucleotide variant.
Coding change: c.2220G>C on transcript NM_001042492.3 (MANE Select); coding-DNA position 2220, G replaced by C.
Protein change: p.Glu740Asp; replaces glutamic acid 740 with aspartic acid.
Molecular consequence: missense variant.
Genome position (GRCh38, 1-based): chr17:31,226,653, G>C. VCF-style: chr17-31226653-G-C. GRCh37 (hg19) VCF-style: chr17-29553671-G-C.
Other names: c.2220G>C, p.Glu740Asp (NM_000267.4); short protein forms E740D.
Identifiers: ClinVar variation 2816074 (VCV002816074.3), dbSNP rs2067020397, ClinGen allele CA398982526.